The following is an entry in ClinVar:

ClinVar aggregate classification (germline): Uncertain significance (1 of 4 stars; one submission).

gnomAD v4.1: 1 of 1,446,124 alleles (0.000069%); highest among the groups gnomAD compares: African/African-American, 0.0014%; no homozygotes.

Submission:

Labcorp Genetics (formerly Invitae), Labcorp
Classification: Uncertain significance. Last evaluated: 2024-08-14. Review status: criteria provided, single submitter. Criteria: Invitae Variant Classification Sherloc (09022015). Collection method: clinical testing. Allele origin: germline.
Comment: This sequence change replaces aspartic acid, which is acidic and polar, with histidine, which is basic and polar, at codon 103 of the MRPS34 protein (p.Asp103His). This variant is not present in population databases (gnomAD no frequency). This variant has not been reported in the literature in individuals affected with MRPS34-related conditions. ClinVar contains an entry for this variant (Variation ID: 1715558). An algorithm developed to predict the effect of missense changes on protein structure and function (PolyPhen-2) suggests that this variant is likely to be disruptive. In summary, the available evidence is currently insufficient to determine the role of this variant in disease. Therefore, it has been classified as a Variant of Uncertain Significance.

NM_023936.2(MRPS34):c.307G>C (p.Asp103His)

Genes: EME2 (essential meiotic structure-specific endonuclease subunit 2; plus strand), MRPS34 (mitochondrial ribosomal protein S34; minus strand), LOC130058183 (ATAC-STARR-seq lymphoblastoid silent region 7002; plus strand). Cytogenetic location: 16p13.3.
Variant type: single nucleotide variant.
Coding change: c.307G>C on transcript NM_023936.2 (MANE Select); coding-DNA position 307, G replaced by C.
Protein change: p.Asp103His; replaces aspartic acid 103 with histidine.
Molecular consequence: missense variant. On other transcripts: 5 prime UTR variant (1).
Genome position (GRCh38, 1-based): chr16:1,772,813, C>G on the plus strand (G>C on the coding strand, the complement: MRPS34 is on the minus strand). VCF-style: chr16-1772813-C-G. GRCh37 (hg19) VCF-style: chr16-1822814-C-G.
Other names: c.-415C>G (NM_001257370.2); c.307G>C, p.Asp103His (NM_001300900.2); short protein forms D103H.
Identifiers: ClinVar variation 1715558 (VCV001715558.6), dbSNP rs914681096, ClinGen allele CA394243801.